The following is an entry in ClinVar:

NM_025009.5(CEP135):c.1715A>G (p.Glu572Gly)

Gene: CEP135 (centrosomal protein 135; plus strand). Cytogenetic location: 4q12.
Variant type: single nucleotide variant.
Coding change: c.1715A>G on transcript NM_025009.5 (MANE Select); coding-DNA position 1715, A replaced by G.
Protein change: p.Glu572Gly; replaces glutamic acid 572 with glycine.
Molecular consequence: missense variant.
Genome position (GRCh38, 1-based): chr4:55,981,315, A>G. VCF-style: chr4-55981315-A-G. GRCh37 (hg19) VCF-style: chr4-56847481-A-G.
Other names: short protein forms E572G.
Identifiers: ClinVar variation 1309135 (VCV001309135.2), dbSNP rs1444689633, ClinGen allele CA356991256.
Genomic context (GRCh38, chr4:55,981,315, plus strand): 5'-AGGAATCCACCCAAACCACAGCACCCCATAATATTGTTAGTCTTATGGAAAAGGAAAAAG[A>G]ACTTGCGTTATCTGACTTAAGAAGAATTATGGCAGAAAAGGAAGCTTTAAGAGAAAAATT-3'
Protein context (NP_079285.2, residues 562-582): NIVSLMEKEK[Glu572Gly]LALSDLRRIM

ClinVar aggregate classification (germline): Uncertain significance (1 of 4 stars; one submission).

Allele frequency attached by ClinVar (database versions not stated): gnomAD exomes below 0.00001; TOPMed below 0.00001.
gnomAD v4.1: 2 of 1,597,712 alleles (0.00013%); highest among the groups gnomAD compares: East Asian, 0.0045%; no homozygotes.

Submission:

GeneDx
Classification: Uncertain significance. Last evaluated: 2019-10-14. Review status: criteria provided, single submitter. Criteria: GeneDx Variant Classification Process June 2021. Collection method: clinical testing. Allele origin: germline. Affected: yes.
Comment: Not observed at a significant frequency in large population cohorts (Lek et al., 2016); In silico analysis, which includes protein predictors and evolutionary conservation, supports a deleterious effect; Has not been previously published as pathogenic or benign to our knowledge